The following is an entry in ClinVar:

NM_000257.4(MYH7):c.5528G>A (p.Ser1843Asn)

Gene: MYH7 (myosin heavy chain 7; minus strand). Cytogenetic location: 14q11.2.
Variant type: single nucleotide variant.
Coding change: c.5528G>A on transcript NM_000257.4 (MANE Select); coding-DNA position 5528, G replaced by A.
Protein change: p.Ser1843Asn; replaces serine 1843 with asparagine.
Molecular consequence: missense variant.
Genome position (GRCh38, 1-based): chr14:23,415,026, C>T on the plus strand (G>A on the coding strand, the complement: MYH7 is on the minus strand). VCF-style: chr14-23415026-C-T. GRCh37 (hg19) VCF-style: chr14-23884235-C-T.
Other names: short protein forms S1843N.
Identifiers: ClinVar variation 454389 (VCV000454389.8), dbSNP rs1555336129, ClinGen allele CA389035060.

ClinVar aggregate classification (germline): Uncertain significance (1 of 4 stars; one submission).

Conditions:
Hypertrophic cardiomyopathy. Also called: HYPERTROPHIC MYOCARDIOPATHY. Identifiers: Orphanet 217569, MedGen C0007194, MeSH D002312, MONDO:0005045, HP:0001639.

Submission:

Labcorp Genetics (formerly Invitae), Labcorp
Classification: Uncertain significance for Hypertrophic cardiomyopathy. Last evaluated: 2022-08-22. Review status: criteria provided, single submitter. Criteria: Invitae Variant Classification Sherloc (09022015). Collection method: clinical testing. Allele origin: germline.
Comment: This sequence change replaces serine, which is neutral and polar, with asparagine, which is neutral and polar, at codon 1843 of the MYH7 protein (p.Ser1843Asn). This variant is not present in population databases (gnomAD no frequency). This variant has not been reported in the literature in individuals affected with MYH7-related conditions. ClinVar contains an entry for this variant (Variation ID: 454389). Algorithms developed to predict the effect of missense changes on protein structure and function are either unavailable or do not agree on the potential impact of this missense change (SIFT: "Deleterious"; PolyPhen-2: "Benign"; Align-GVGD: "Class C0"). In summary, the available evidence is currently insufficient to determine the role of this variant in disease. Therefore, it has been classified as a Variant of Uncertain Significance.